The following is an entry in ClinVar:

NM_001369.3(DNAH5):c.40G>T (p.Val14Phe)

Gene: DNAH5 (dynein axonemal heavy chain 5; minus strand). Cytogenetic location: 5p15.2.
Variant type: single nucleotide variant.
Coding change: c.40G>T on transcript NM_001369.3 (MANE Select); coding-DNA position 40, G replaced by T.
Protein change: p.Val14Phe; replaces valine 14 with phenylalanine.
Molecular consequence: missense variant.
Genome position (GRCh38, 1-based): chr5:13,944,399, C>A on the plus strand (G>T on the coding strand, the complement: DNAH5 is on the minus strand). VCF-style: chr5-13944399-C-A. GRCh37 (hg19) VCF-style: chr5-13944508-C-A.
Other names: short protein forms V14F.
Identifiers: ClinVar variation 1737844 (VCV001737844.5), dbSNP rs1015850611, ClinGen allele CA359189848.
Genomic context (GRCh38, chr5:13,944,399, plus strand): 5'-AATCCAAAACACACATGCAAAGGTACAGACAACAGCACCTTACCGTTAAAACTCGAGTGA[C>A]GCTATGCTTCCAGAGCTGTCTCCTCCCAATCCTAAACATTGTAGCCGTGCATGGACAGGC-3'
Protein context (NP_001360.1, residues 4-24): IGRRQLWKHS[Val14Phe]TRVLTQRLKG

ClinVar aggregate classification (germline): Conflicting classifications of pathogenicity. Review status: criteria provided, conflicting classifications (1 of 4 stars). 2 submissions from 2 submitters: Uncertain significance (1); Benign (1). Last evaluated 2023-06-29.

Conditions:
Primary ciliary dyskinesia. Also called: Ciliary dyskinesia. Identifiers: Orphanet 244, MedGen C0008780, MONDO:0016575, HP:0012265.

gnomAD v4.1: 1 of 1,613,678 alleles (0.000062%); highest among the groups gnomAD compares: African/African-American, 0.0013%; no homozygotes.

Submissions (2):

Labcorp Genetics (formerly Invitae), Labcorp
Classification: Benign for Primary ciliary dyskinesia. Last evaluated: 2023-06-29. Review status: criteria provided, single submitter. Criteria: Invitae Variant Classification Sherloc (09022015). Collection method: clinical testing. Allele origin: germline.

Ambry Genetics
Classification: Uncertain significance for Primary ciliary dyskinesia. Last evaluated: 2022-10-27. Review status: criteria provided, single submitter. Criteria: Ambry Variant Classification Scheme 2023. Collection method: clinical testing. Allele origin: germline.
Comment: The p.V14F variant (also known as c.40G>T), located in coding exon 1 of the DNAH5 gene, results from a G to T substitution at nucleotide position 40. The valine at codon 14 is replaced by phenylalanine, an amino acid with highly similar properties. This amino acid position is conserved. In addition, this alteration is predicted to be tolerated by in silico analysis. Since supporting evidence is limited at this time, the clinical significance of this alteration remains unclear.